The following is an entry in ClinVar:

ClinVar aggregate classification (germline): Likely pathogenic (1 of 4 stars; one submission).

Conditions:
Usher syndrome type 1 (USH1). Also called: RETINITIS PIGMENTOSA AND CONGENITAL DEAFNESS. Identifiers: Orphanet 231169, Orphanet 886, MedGen C1568247, MONDO:0010168, OMIM 276900.

Submission:

Myriad Genetics, Inc.
Classification: Likely pathogenic for Usher syndrome type 1. Last evaluated: 2021-12-16. Review status: criteria provided, single submitter. Criteria: Myriad Women's Health Autosomal Recessive and X-Linked Classification Criteria (2021). Collection method: clinical testing. Allele origin: unknown.
Comment: NM_000260.3(MYO7A):c.1974C>G(Y658*) is expected to be pathogenic in the context of MYO7A-related disorders. This variant is predicted to lead to an abnormal or absent protein product due to the creation of a premature termination codon in MYO7A, a gene where loss-of-function variants are known to be pathogenic. Please note: this variant was assessed in the context of healthy population screening.

NM_000260.4(MYO7A):c.1974C>G (p.Tyr658Ter)

Gene: MYO7A (myosin VIIA; plus strand). Cytogenetic location: 11q13.5.
Variant type: single nucleotide variant.
Coding change: c.1974C>G on transcript NM_000260.4 (MANE Select); coding-DNA position 1974, C replaced by G.
Protein change: p.Tyr658Ter; replaces tyrosine 658 with a stop codon.
Molecular consequence: nonsense.
Genome position (GRCh38, 1-based): chr11:77,174,794, C>G. VCF-style: chr11-77174794-C-G. GRCh37 (hg19) VCF-style: chr11-76885840-C-G.
Other names: c.1974C>G, p.Tyr658Ter (NM_001127180.2); c.1941C>G, p.Tyr647Ter (NM_001369365.1); short protein forms Y647*, Y658*.
Identifiers: ClinVar variation 1726387 (VCV001726387.2), dbSNP rs1954477050, ClinGen allele CA381939192.